The following is an entry in ClinVar:

ClinVar aggregate classification (germline): Conflicting classifications of pathogenicity. Review status: criteria provided, conflicting classifications (1 of 4 stars). 3 submissions from 3 submitters: Uncertain significance (1); Likely benign (2). Last evaluated 2025-07-04.

Conditions:
STING-associated vasculopathy with onset in infancy. Also called: Sting-associated vasculopathy, infantile-onset. Identifiers: Orphanet 425120, MedGen C4014722, MONDO:0014405, OMIM 615934.

Allele frequency attached by ClinVar (database versions not stated): ExAC 0.00002; gnomAD exomes 0.00002; TOPMed 0.00004; gnomAD 0.00005 and 0.00006.
gnomAD v4.1: 36 of 1,612,260 alleles (0.0022%); highest among the groups gnomAD compares: Middle Eastern, 0.033%; no homozygotes.

Submissions (3):

Labcorp Genetics (formerly Invitae), Labcorp
Classification: Uncertain significance for STING-associated vasculopathy with onset in infancy. Last evaluated: 2025-07-04. Review status: criteria provided, single submitter. Criteria: Invitae Variant Classification Sherloc (09022015). Collection method: clinical testing. Allele origin: germline.
Comment: This sequence change falls in intron 6 of the TMEM173 gene. It does not directly change the encoded amino acid sequence of the TMEM173 protein. It affects a nucleotide within the consensus splice site. This variant is present in population databases (rs759930084, gnomAD 0.005%). This variant has not been reported in the literature in individuals affected with TMEM173-related conditions. ClinVar contains an entry for this variant (Variation ID: 871838). Variants that disrupt the consensus splice site are a relatively common cause of aberrant splicing (PMID: 17576681, 9536098). Algorithms developed to predict the effect of sequence changes on RNA splicing suggest that this variant is not likely to affect RNA splicing. In summary, the available evidence is currently insufficient to determine the role of this variant in disease. Therefore, it has been classified as a Variant of Uncertain Significance.

Blueprint Genetics
Classification: Likely benign. Last evaluated: 2023-10-17. Review status: criteria provided, single submitter. Criteria: ACMG Guidelines, 2015. Collection method: clinical testing. Allele origin: germline.

CeGaT Center for Human Genetics Tuebingen
Classification: Likely benign. Last evaluated: 2019-09-01. Review status: criteria provided, single submitter. Criteria: CeGaT Center For Human Genetics Tuebingen Variant Classification Criteria Version 2. Collection method: clinical testing. Allele origin: germline. Affected: yes. Observed: 1 variant allele.

Literature cited by the submitters: PubMed 17576681 (cited by Labcorp Genetics (formerly Invitae), Labcorp); PubMed 9536098 (cited by Labcorp Genetics (formerly Invitae), Labcorp).

NM_198282.4(STING1):c.760-3T>C

Gene: STING1 (stimulator of interferon response cGAMP interactor 1; minus strand). Cytogenetic location: 5q31.2.
Variant type: single nucleotide variant.
Coding change: c.760-3T>C on transcript NM_198282.4 (MANE Select); 3 bases into the intron before coding-DNA position 760, T replaced by C.
Molecular consequence: intron variant.
Genome position (GRCh38, 1-based): chr5:139,477,518, A>G on the plus strand (T>C on the coding strand, the complement: STING1 is on the minus strand). VCF-style: chr5-139477518-A-G. GRCh37 (hg19) VCF-style: chr5-138857103-A-G.
Other names: c.403-3T>C (NM_001367258.1); c.759+752T>C (NM_001301738.2).
Identifiers: ClinVar variation 871838 (VCV000871838.47), dbSNP rs759930084, ClinGen allele CA3435314.
Genomic context (GRCh38, chr5:139,477,518, plus strand): 5'-GTGACATGGCAAACAAAGTCTGCAAGGGGGTGGCGTACTCCAGGACACAGGTGCCCGCCT[A>G]GAGGAGGTAAGAGGAAGACCAGACTAAGCCAGGGGCCAGGCGGATGGAGAATGGAGGGTC-3'